The following is an entry in ClinVar:

ClinVar aggregate classification (germline): Uncertain significance (1 of 4 stars; one submission).

Conditions:
Charcot-Marie-Tooth disease axonal type 2O. Also called: CHARCOT-MARIE-TOOTH NEUROPATHY, AXONAL, TYPE 2O; CHARCOT-MARIE-TOOTH DISEASE, AXONAL, AUTOSOMAL DOMINANT, TYPE 2O; Charcot-Marie-Tooth Neuropathy Type 2O; Charcot-Marie-Tooth disease, axonal, type 20. Identifiers: Orphanet 284232, MedGen C3280220, MONDO:0013644, OMIM 614228.

Submission:

Labcorp Genetics (formerly Invitae), Labcorp
Classification: Uncertain significance for Charcot-Marie-Tooth disease axonal type 2O. Last evaluated: 2023-02-25. Review status: criteria provided, single submitter. Criteria: Invitae Variant Classification Sherloc (09022015). Collection method: clinical testing. Allele origin: germline.
Comment: In summary, the available evidence is currently insufficient to determine the role of this variant in disease. Therefore, it has been classified as a Variant of Uncertain Significance. Advanced modeling of protein sequence and biophysical properties (such as structural, functional, and spatial information, amino acid conservation, physicochemical variation, residue mobility, and thermodynamic stability) performed at Invitae indicates that this missense variant is not expected to disrupt DYNC1H1 protein function. This variant has not been reported in the literature in individuals affected with DYNC1H1-related conditions. This variant is not present in population databases (gnomAD no frequency). This sequence change replaces glutamic acid, which is acidic and polar, with lysine, which is basic and polar, at codon 53 of the DYNC1H1 protein (p.Glu53Lys).

NM_001376.5(DYNC1H1):c.157G>A (p.Glu53Lys)

Gene: DYNC1H1 (dynein cytoplasmic 1 heavy chain 1; plus strand). Cytogenetic location: 14q32.31.
Variant type: single nucleotide variant.
Coding change: c.157G>A on transcript NM_001376.5 (MANE Select); coding-DNA position 157, G replaced by A.
Protein change: p.Glu53Lys; replaces glutamic acid 53 with lysine.
Molecular consequence: missense variant.
Genome position (GRCh38, 1-based): chr14:101,964,848, G>A. VCF-style: chr14-101964848-G-A. GRCh37 (hg19) VCF-style: chr14-102431185-G-A.
Other names: short protein forms E53K.
Identifiers: ClinVar variation 2840704 (VCV002840704.3), dbSNP rs2503644291, ClinGen allele CA391003485.